The following is an entry in ClinVar:

ClinVar aggregate classification (germline): Benign (1 of 4 stars; one submission).

Conditions:
Seizures, benign familial infantile, 3 (BFIS3). Also called: CONVULSIONS, BENIGN FAMILIAL INFANTILE, 3; Familial neonatal seizures. Identifiers: Orphanet 140927, Orphanet 306, MedGen C1843140, MONDO:0011904, OMIM 607745.

Allele frequency attached by ClinVar (database versions not stated): gnomAD exomes 0.00001 and 0.00002; ExAC 0.00003.
gnomAD v4.1: 14 of 1,613,552 alleles (0.00087%); highest among the groups gnomAD compares: East Asian, 0.031%; no homozygotes.

Submission:

Illumina Laboratory Services, Illumina
Classification: Benign for Seizures, benign familial infantile, 3. Last evaluated: 2017-04-27. Review status: criteria provided, single submitter. Criteria: ICSL Variant Classification Criteria 13 December 2019. Collection method: clinical testing. Allele origin: germline.
Comment: This variant was observed as part of a predisposition screen in an ostensibly healthy population. A literature search was performed for the gene, cDNA change, and amino acid change (where applicable). No publications were found based on this search. Allele frequency data from public databases was too high to be consistent with this variant causing disease. Therefore, this variant is classified as benign.

NM_001040142.2(SCN2A):c.2175C>T (p.Cys725=)

Gene: SCN2A (sodium voltage-gated channel alpha subunit 2; plus strand). Cytogenetic location: 2q24.3.
Variant type: single nucleotide variant.
Coding change: c.2175C>T on transcript NM_001040142.2 (MANE Select); coding-DNA position 2175, C replaced by T.
Protein change: p.Cys725=; no amino-acid change (cysteine 725 retained).
Molecular consequence: synonymous variant.
Genome position (GRCh38, 1-based): chr2:165,331,355, C>T. VCF-style: chr2-165331355-C-T. GRCh37 (hg19) VCF-style: chr2-166187865-C-T.
Other names: c.2175C>T, p.Cys725= (NM_001040143.2, NM_001371246.1, NM_001371247.1 and 1 more transcripts).
Identifiers: ClinVar variation 892875 (VCV000892875.4), dbSNP rs768349308, ClinGen allele CA1939946.
Genomic context (GRCh38, chr2:165,331,355, plus strand): 5'-AGTTTTCATGAGGATTCTAACTTTTTTTCTTCCAGAACTTGAAGAATCCAGACAGAAATG[C>T]CCACCATGCTGGTATAAATTTGCTAATATGTGTTTGATTTGGGACTGTTGTAAACCATGG-3'
Protein context (NP_001035232.1, residues 715-735): MEELEESRQK[Cys725=]PPCWYKFANM